The following is an entry in ClinVar:

ClinVar aggregate classification (germline): Pathogenic (1 of 4 stars; one submission).

Submission:

Labcorp Genetics (formerly Invitae), Labcorp
Classification: Pathogenic. Last evaluated: 2021-11-26. Review status: criteria provided, single submitter. Criteria: Invitae Variant Classification Sherloc (09022015). Collection method: clinical testing. Allele origin: germline.
Comment: This variant has not been reported in the literature in individuals affected with PROP1-related conditions. For these reasons, this variant has been classified as Pathogenic. This variant results in an extension of the PROP1 protein. Other variant(s) that result in a similarly extended protein product (p.Pro210Hisfs*26) have been determined to be pathogenic (PMID: 16735499). This suggests that these extensions are likely to be disease-causing. This variant is not present in population databases (gnomAD no frequency). This sequence change results in a frameshift in the PROP1 gene (p.Tyr195Thrfs*41). While this is not anticipated to result in nonsense mediated decay, it is expected to disrupt the last 32 amino acid(s) of the PROP1 protein and extend the protein by 8 additional amino acid residues.

Literature cited by the submitters: PubMed 16735499.

NM_006261.5(PROP1):c.583del (p.Tyr195fs)

Gene: PROP1 (PROP paired-like homeobox 1; minus strand). Cytogenetic location: 5q35.3.
Variant type: Deletion.
Coding change: c.583del on transcript NM_006261.5 (MANE Select); coding-DNA position 583, one base deleted (T; older notation c.583delT).
Protein change: p.Tyr195fs; shifts the reading frame from tyrosine 195.
Molecular consequence: frameshift variant.
Genome position (GRCh38, 1-based): chr5:177,992,807, A deleted on the plus strand (T on the coding strand, the reverse complement: PROP1 is on the minus strand). VCF-style (leftmost placement, unchanged base first): chr5-177992806-TA-T. GRCh37 (hg19) VCF-style: chr5-177419807-TA-T.
Other names: short protein forms Y195fs.
Identifiers: ClinVar variation 1431103 (VCV001431103.6), dbSNP rs2113059531, ClinGen allele CA2573139482.